The following is an entry in ClinVar:

ClinVar aggregate classification (germline): Uncertain significance. Review status: criteria provided, multiple submitters, no conflicts (2 of 4 stars). 2 submissions from 2 submitters: Uncertain significance (2). Last evaluated 2025-07-08.

Allele frequency attached by ClinVar (database versions not stated): TOPMed below 0.00001.

Submissions (2):

Labcorp Genetics (formerly Invitae), Labcorp
Classification: Uncertain significance. Last evaluated: 2025-07-08. Review status: criteria provided, single submitter. Criteria: Invitae Variant Classification Sherloc (09022015). Collection method: clinical testing. Allele origin: germline.
Comment: This sequence change replaces serine, which is neutral and polar, with phenylalanine, which is neutral and non-polar, at codon 939 of the BUB1 protein (p.Ser939Phe). This variant is not present in population databases (gnomAD no frequency). This variant has not been reported in the literature in individuals affected with BUB1-related conditions. ClinVar contains an entry for this variant (Variation ID: 1796380). An algorithm developed to predict the effect of missense changes on protein structure and function outputs the following: PolyPhen-2: "Not Available". The phenylalanine amino acid residue is found in multiple mammalian species, which suggests that this missense change does not adversely affect protein function. In summary, the available evidence is currently insufficient to determine the role of this variant in disease. Therefore, it has been classified as a Variant of Uncertain Significance.

Ambry Genetics
Classification: Uncertain significance. Last evaluated: 2022-04-22. Review status: criteria provided, single submitter. Criteria: Ambry Variant Classification Scheme 2023. Collection method: clinical testing. Allele origin: germline.
Comment: The p.S939F variant (also known as c.2816C>T), located in coding exon 23 of the BUB1 gene, results from a C to T substitution at nucleotide position 2816. The serine at codon 939 is replaced by phenylalanine, an amino acid with highly dissimilar properties. This amino acid position is conserved. In addition, this alteration is predicted to be tolerated by in silico analysis. Since supporting evidence is limited at this time, the clinical significance of this alteration remains unclear.

NM_004336.5(BUB1):c.2816C>T (p.Ser939Phe)

Gene: BUB1 (BUB1 mitotic checkpoint serine/threonine kinase; minus strand). Cytogenetic location: 2q13.
Variant type: single nucleotide variant.
Coding change: c.2816C>T on transcript NM_004336.5 (MANE Select); coding-DNA position 2816, C replaced by T.
Protein change: p.Ser939Phe; replaces serine 939 with phenylalanine.
Molecular consequence: missense variant.
Genome position (GRCh38, 1-based): chr2:110,641,173, G>A on the plus strand (C>T on the coding strand, the complement: BUB1 is on the minus strand). VCF-style: chr2-110641173-G-A. GRCh37 (hg19) VCF-style: chr2-111398750-G-A.
Other names: c.2756C>T, p.Ser919Phe (NM_001278616.2); c.2645C>T, p.Ser882Phe (NM_001278617.2); short protein forms S939F, S919F, S882F.
Identifiers: ClinVar variation 1796380 (VCV001796380.3), dbSNP rs1689494084, ClinGen allele CA348089230.